The following is an entry in ClinVar:

ClinVar aggregate classification (germline): Uncertain significance. Review status: criteria provided, multiple submitters, no conflicts (2 of 4 stars). 5 submissions from 5 submitters: Uncertain significance (5). Last evaluated 2026-05-18.

Conditions:
Congenital contractural arachnodactyly (CCA). Also called: BEALS SYNDROME; Beals-Hecht syndrome; Arthrogryposis, distal, type 9. Identifiers: Orphanet 115, MedGen C0220668, MONDO:0007363, OMIM 121050.
Familial thoracic aortic aneurysm and aortic dissection (TAAD). Also called: Thoracic aortic aneurysms and dissections. Identifiers: Orphanet 91387, MedGen C4707243, MONDO:0019625.

Allele frequency attached by ClinVar (database versions not stated): gnomAD 0.00002; gnomAD exomes 0.00002 and 0.00004; TOPMed 0.00002; ExAC 0.00004.
gnomAD v4.1: 61 of 1,613,974 alleles (0.0038%); highest among the groups gnomAD compares: Non-Finnish European, 0.0048%; no homozygotes.

Submissions (5):

Ambry Genetics
Classification: Uncertain significance for Familial thoracic aortic aneurysm and aortic dissection. Last evaluated: 2026-05-18. Review status: criteria provided, single submitter. Criteria: Ambry Variant Classification Scheme 2023. Collection method: clinical testing. Allele origin: germline.
Comment: The p.E981K variant (also known as c.2941G>A), located in coding exon 23 of the FBN2 gene, results from a G to A substitution at nucleotide position 2941. The glutamic acid at codon 981 is replaced by lysine, an amino acid with similar properties. This amino acid position is conserved. In addition, the in silico prediction for this alteration is inconclusive. Based on the available evidence, the clinical significance of this variant remains unclear.

Labcorp Genetics (formerly Invitae), Labcorp
Classification: Uncertain significance for Congenital contractural arachnodactyly. Last evaluated: 2023-11-17. Review status: criteria provided, single submitter. Criteria: Invitae Variant Classification Sherloc (09022015). Collection method: clinical testing. Allele origin: germline.
Comment: This sequence change replaces glutamic acid, which is acidic and polar, with lysine, which is basic and polar, at codon 981 of the FBN2 protein (p.Glu981Lys). This variant is present in population databases (rs758694112, gnomAD 0.005%). This variant has not been reported in the literature in individuals affected with FBN2-related conditions. ClinVar contains an entry for this variant (Variation ID: 572343). Advanced modeling of protein sequence and biophysical properties (such as structural, functional, and spatial information, amino acid conservation, physicochemical variation, residue mobility, and thermodynamic stability) performed at Invitae indicates that this missense variant is not expected to disrupt FBN2 protein function with a negative predictive value of 80%. In summary, the available evidence is currently insufficient to determine the role of this variant in disease. Therefore, it has been classified as a Variant of Uncertain Significance.

GeneDx
Classification: Uncertain significance. Last evaluated: 2023-04-28. Review status: criteria provided, single submitter. Criteria: GeneDx Variant Classification Process June 2021. Collection method: clinical testing. Allele origin: germline. Affected: yes.
Comment: Has not been previously published as pathogenic or benign to our knowledge; In silico analysis supports that this missense variant does not alter protein structure/function; Although located in a calcium-binding EGF-like domain of the FBN2 gene, it does not substitute or introduce a cysteine residue (Callewaert et al., 2009; Frederic et al., 2009); This variant is associated with the following publications: (PMID: 19006240, 18767143)

CeGaT Center for Human Genetics Tuebingen
Classification: Uncertain significance. Last evaluated: 2019-10-01. Review status: criteria provided, single submitter. Criteria: CeGaT Center For Human Genetics Tuebingen Variant Classification Criteria Version 2. Collection method: clinical testing. Allele origin: germline. Affected: yes. Observed: 1 variant allele.

Illumina Laboratory Services, Illumina
Classification: Uncertain significance for Congenital contractural arachnodactyly. Last evaluated: 2018-01-12. Review status: criteria provided, single submitter. Criteria: ICSL Variant Classification Criteria 13 December 2019. Collection method: clinical testing. Allele origin: germline.

NM_001999.4(FBN2):c.2941G>A (p.Glu981Lys)

Gene: FBN2 (fibrillin 2; minus strand). Cytogenetic location: 5q23.3.
Variant type: single nucleotide variant.
Coding change: c.2941G>A on transcript NM_001999.4 (MANE Select); coding-DNA position 2941, G replaced by A.
Protein change: p.Glu981Lys; replaces glutamic acid 981 with lysine.
Molecular consequence: missense variant.
Genome position (GRCh38, 1-based): chr5:128,349,395, C>T on the plus strand (G>A on the coding strand, the complement: FBN2 is on the minus strand). VCF-style: chr5-128349395-C-T. GRCh37 (hg19) VCF-style: chr5-127685087-C-T.
Other names: short protein forms E981K.
Identifiers: ClinVar variation 572343 (VCV000572343.54), dbSNP rs758694112, ClinGen allele CA3395390.
Genomic context (GRCh38, chr5:128,349,395, plus strand): 5'-TGTGAATCTTACCCAAACATACACGGCCAGTCCCATCCAACGTAAGGCCTTCAGGGCACT[C>T]GCAATGAAAAGATCCCTTACTGTTGACACAGCGTCCATTTGGACAAACGCCAGGGAACAC-3'
Protein context (NP_001990.2, residues 971-991): CVNSKGSFHC[Glu981Lys]CPEGLTLDGT